The following is an entry in ClinVar:

ClinVar aggregate classification (germline): Uncertain significance (1 of 4 stars; one submission).

Conditions:
Inborn genetic diseases. Identifiers: MedGen C0950123, MeSH D030342.

Submission:

Ambry Genetics
Classification: Uncertain significance for Inborn genetic diseases. Last evaluated: 2026-04-25. Review status: criteria provided, single submitter. Criteria: Ambry Variant Classification Scheme 2023. Collection method: clinical testing. Allele origin: germline.
Comment: The p.M896V variant (also known as c.2686A>G), located in coding exon 23 of the ANKRD26 gene, results from an A to G substitution at nucleotide position 2686. The methionine at codon 896 is replaced by valine, an amino acid with highly similar properties. This amino acid position is conserved. In addition, this alteration is predicted to be tolerated by in silico analysis. Based on the available evidence, the clinical significance of this variant remains unclear.

NM_014915.3(ANKRD26):c.2686A>G (p.Met896Val)

Gene: ANKRD26 (ankyrin repeat domain 26; minus strand). Cytogenetic location: 10p12.1.
Variant type: single nucleotide variant.
Coding change: c.2686A>G on transcript NM_014915.3 (MANE Select); coding-DNA position 2686, A replaced by G.
Protein change: p.Met896Val; replaces methionine 896 with valine.
Molecular consequence: missense variant.
Genome position (GRCh38, 1-based): chr10:27,037,197, T>C on the plus strand (A>G on the coding strand, the complement: ANKRD26 is on the minus strand). VCF-style: chr10-27037197-T-C. GRCh37 (hg19) VCF-style: chr10-27326126-T-C.
Other names: c.2683A>G, p.Met895Val (NM_001256053.2); short protein forms M895V, M896V.
Identifiers: ClinVar variation 4859515 (VCV004859515.1).